The following is an entry in ClinVar:

ClinVar aggregate classification (germline): Pathogenic (1 of 4 stars; one submission).

Submission:

Labcorp Genetics (formerly Invitae), Labcorp
Classification: Pathogenic. Last evaluated: 2025-07-23. Review status: criteria provided, single submitter. Criteria: Invitae Variant Classification Sherloc (09022015). Collection method: clinical testing. Allele origin: germline.
Comment: This sequence change replaces tryptophan, which is neutral and slightly polar, with arginine, which is basic and polar, at codon 320 of the SLC19A2 protein (p.Trp320Arg). This variant is not present in population databases (gnomAD no frequency). This missense change has been observed in individual(s) with clinical features of thiamine-responsive megaloblastic anemia syndrome (internal data). Invitae Evidence Modeling of protein sequence and biophysical properties (such as structural, functional, and spatial information, amino acid conservation, physicochemical variation, residue mobility, and thermodynamic stability) indicates that this missense variant is expected to disrupt SLC19A2 protein function with a positive predictive value of 95%. For these reasons, this variant has been classified as Pathogenic.

NM_006996.3(SLC19A2):c.958T>C (p.Trp320Arg)

Gene: SLC19A2 (solute carrier family 19 member 2; minus strand). Cytogenetic location: 1q24.2.
Variant type: single nucleotide variant.
Coding change: c.958T>C on transcript NM_006996.3 (MANE Select); coding-DNA position 958, T replaced by C.
Protein change: p.Trp320Arg; replaces tryptophan 320 with arginine.
Molecular consequence: missense variant.
Genome position (GRCh38, 1-based): chr1:169,470,036, A>G on the plus strand (T>C on the coding strand, the complement: SLC19A2 is on the minus strand). VCF-style: chr1-169470036-A-G. GRCh37 (hg19) VCF-style: chr1-169439274-A-G.
Other names: c.355T>C, p.Trp119Arg (NM_001319667.1); short protein forms W119R, W320R.
Identifiers: ClinVar variation 4747205 (VCV004747205.1).